The following is an entry in ClinVar:

NM_003924.4(PHOX2B):c.436T>C (p.Phe146Leu)

Gene: PHOX2B (paired like homeobox 2B; minus strand). Cytogenetic location: 4p13.
Variant type: single nucleotide variant.
Coding change: c.436T>C on transcript NM_003924.4 (MANE Select); coding-DNA position 436, T replaced by C.
Protein change: p.Phe146Leu; replaces phenylalanine 146 with leucine.
Molecular consequence: missense variant.
Genome position (GRCh38, 1-based): chr4:41,746,316, A>G on the plus strand (T>C on the coding strand, the complement: PHOX2B is on the minus strand). VCF-style: chr4-41746316-A-G. GRCh37 (hg19) VCF-style: chr4-41748333-A-G.
Other names: short protein forms F146L.
Identifiers: ClinVar variation 4842524 (VCV004842524.1).

ClinVar aggregate classification (germline): Uncertain significance (1 of 4 stars; one submission).

Conditions:
Hereditary cancer-predisposing syndrome. Also called: Neoplastic Syndromes, Hereditary; Tumor predisposition; Hereditary Cancer Syndrome; Hereditary neoplastic syndrome. Identifiers: Orphanet 140162, MedGen C0027672, MeSH D009386, MONDO:0015356.

Submission:

Ambry Genetics
Classification: Uncertain significance for Hereditary cancer-predisposing syndrome. Last evaluated: 2025-12-30. Review status: criteria provided, single submitter. Criteria: Ambry Variant Classification Scheme 2023. Collection method: clinical testing. Allele origin: germline.
Comment: The p.F146L variant (also known as c.436T>C), located in coding exon 3 of the PHOX2B gene, results from a T to C substitution at nucleotide position 436. The phenylalanine at codon 146 is replaced by leucine, an amino acid with highly similar properties. This amino acid position is highly conserved in available vertebrate species. In addition, this alteration is predicted to be deleterious by in silico analysis. Based on the available evidence, the clinical significance of this variant remains unclear.